The following is an entry in ClinVar:

ClinVar aggregate classification (germline): Pathogenic (1 of 4 stars; one submission).

Conditions:
Hereditary nonpolyposis colon cancer (HNPCC). Also called: Hereditary nonpolyposis colorectal cancer; Familial nonpolyposis colon cancer; Hereditary Nonpolyposis Colorectal Cancer Syndrome. Identifiers: Orphanet 443909, MedGen C1333990, MONDO:0018630. Disease mechanism: loss of function.

Submission:

Women's Health and Genetics/Laboratory Corporation of America, LabCorp
Classification: Pathogenic for Hereditary nonpolyposis colon cancer. Last evaluated: 2023-12-12. Review status: criteria provided, single submitter. Criteria: LabCorp Variant Classification Summary - May 2015. Collection method: clinical testing. Allele origin: germline.
Comment: Variant summary: MSH6 c.3605_3614del10 (p.Met1202LysfsX11) results in a premature termination codon, predicted to cause a truncation of the encoded protein or absence of the protein due to nonsense mediated decay, which are commonly known mechanisms for disease. The variant was absent in 251442 control chromosomes. To our knowledge, no occurrence of c.3605_3614del10 in individuals affected with Lynch Syndrome and no experimental evidence demonstrating its impact on protein function have been reported. No submitters have cited clinical-significance assessments for this variant to ClinVar after 2014. Based on the evidence outlined above, the variant was classified as pathogenic.

NM_000179.3(MSH6):c.3605_3614del (p.Met1202fs)

Gene: MSH6 (mutS homolog 6; plus strand). Cytogenetic location: 2p16.3.
Variant type: Deletion.
Coding change: c.3605_3614del on transcript NM_000179.3 (MANE Select); coding-DNA positions 3605 to 3614, 10 bases deleted (TGCATGCAAC; older notation c.3605_3614delTGCATGCAAC).
Protein change: p.Met1202fs; shifts the reading frame from methionine 1202.
Molecular consequence: frameshift variant. On other transcripts: non-coding transcript variant (5).
Genome position (GRCh38, 1-based): chr2:47,805,666-47,805,675, TGCATGCAAC deleted. VCF-style (leftmost placement, unchanged base first): chr2-47805665-ATGCATGCAAC-A. GRCh37 (hg19) VCF-style: chr2-48032804-ATGCATGCAAC-A.
Other names: c.3215_3224del, p.Met1072fs (NM_001281492.2); c.2699_2708del, p.Met900fs (NM_001281493.2, NM_001281494.2, NM_001406823.1 and 6 more transcripts); c.3701_3710del, p.Met1234fs (NM_001406795.1, NM_001406802.1); c.3605_3614del, p.Met1202fs (NM_001406796.1, NM_001406800.1, NM_001406808.1 and 1 more transcripts); c.3308_3317del, p.Met1103fs (NM_001406797.1, NM_001406801.1, NM_001406805.1 and 10 more transcripts); c.3431_3440del, p.Met1144fs (NM_001406798.1); c.3080_3089del, p.Met1027fs (NM_001406799.1, NM_001406806.1, NM_001406807.1); c.2741_2750del, p.Met914fs (NM_001406803.1); and 8 more; short protein forms M1027fs, M1072fs, M1103fs, M1144fs, M1146fs, M1176fs, M1202fs, M1204fs.
Identifiers: ClinVar variation 2691616 (VCV002691616.1), dbSNP rs2530824022, ClinGen allele CA2697548066.
Genomic context (GRCh38, chr2:47,805,665, plus strand): 5'-TTTTTTTTTTAAGGTGAAAGTACATTTTTTGTTGAATTAAGTGAAACTGCCAGCATACTC[ATGCATGCAAC>A]AGCACATTCTCTGGTGCTTGTGGATGAATTAGGTAAGACATTAAACTTCTCATTTGAAGA-3'